The following is an entry in ClinVar:

NM_003482.4(KMT2D):c.8011G>A (p.Gly2671Ser)

Gene: KMT2D (lysine methyltransferase 2D; minus strand). Cytogenetic location: 12q13.12.
Variant type: single nucleotide variant.
Coding change: c.8011G>A on transcript NM_003482.4 (MANE Select); coding-DNA position 8011, G replaced by A.
Protein change: p.Gly2671Ser; replaces glycine 2671 with serine.
Molecular consequence: missense variant.
Genome position (GRCh38, 1-based): chr12:49,039,759, C>T on the plus strand (G>A on the coding strand, the complement: KMT2D is on the minus strand). VCF-style: chr12-49039759-C-T. GRCh37 (hg19) VCF-style: chr12-49433542-C-T.
Other names: short protein forms G2671S.
Identifiers: ClinVar variation 982838 (VCV000982838.28), dbSNP rs762567167, ClinGen allele CA6546951.

ClinVar aggregate classification (germline): Benign/Likely benign. Review status: criteria provided, multiple submitters, no conflicts (2 of 4 stars). 3 submissions from 3 submitters: Benign (1); Likely benign (2). Last evaluated 2025-12-02.

Conditions:
Kabuki syndrome. Also called: NIIKAWA-KUROKI SYNDROME; Kabuki make-up syndrome. Identifiers: Orphanet 2322, MedGen C0796004, MONDO:0016512.
Kabuki syndrome 1 (KABUK1). Also called: KMT2D-Related Kabuki Syndrome. Identifiers: Orphanet 2322, MedGen CN030661, MONDO:0007843, OMIM 147920.

Allele frequency attached by ClinVar (database versions not stated): gnomAD 0.00005; gnomAD exomes 0.00006; TOPMed 0.00006; ExAC 0.00008.
gnomAD v4.1: 70 of 1,613,596 alleles (0.0043%); highest among the groups gnomAD compares: Non-Finnish European, 0.0052%; no homozygotes.

Submissions (3):

Labcorp Genetics (formerly Invitae), Labcorp
Classification: Likely benign for Kabuki syndrome. Last evaluated: 2025-12-02. Review status: criteria provided, single submitter. Criteria: Invitae Variant Classification Sherloc (09022015). Collection method: clinical testing. Allele origin: germline.

CeGaT Center for Human Genetics Tuebingen
Classification: Likely benign. Last evaluated: 2024-04-01. Review status: criteria provided, single submitter. Criteria: CeGaT Center For Human Genetics Tuebingen Variant Classification Criteria Version 2. Collection method: clinical testing. Allele origin: germline. Affected: yes. Observed: 1 variant allele.
Comment: KMT2D: BP4

Institute of Human Genetics, University of Leipzig Medical Center
Classification: Benign for Kabuki syndrome 1. Last evaluated: 2019-01-01. Review status: criteria provided, single submitter. Criteria: ACMG Guidelines, 2015. Collection method: clinical testing. Allele origin: unknown. Affected: yes.